The following is an entry in ClinVar:

ClinVar aggregate classification (germline): Benign (3 of 4 stars; one submission).

Conditions:
Breast-ovarian cancer, familial, susceptibility to, 1 (BROVCA1). Also called: BRCA1 Hereditary Breast and Ovarian Cancer; OVARIAN CANCER, SUSCEPTIBILITY TO. Identifiers: Orphanet 145, MedGen C2676676, MONDO:0011450, OMIM 604370. Disease mechanism: loss of function.

Allele frequency attached by ClinVar (database versions not stated): gnomAD 0.00006 and 0.00064; TOPMed 0.00006; 1000 Genomes Project 30x 0.00312; 1000 Genomes Project 0.00319.
gnomAD v4.1: 96 of 152,346 alleles (0.063%); highest among the groups gnomAD compares: South Asian, 1.8%; 4 homozygotes.

Submission:

Evidence-based Network for the Interpretation of Germline Mutant Alleles (ENIGMA)
Classification: Benign for Breast-ovarian cancer, familial, susceptibility to, 1. Last evaluated: 2016-09-28. Review status: reviewed by expert panel. Criteria: ENIGMA BRCA1/2 Classification Criteria (2015). Collection method: curation. Allele origin: germline.
Comment: Class 1 not pathogenic based on frequency >1% in an outbred sampleset. Frequency 0.0164 (South Asian), derived from 1000 genomes (2013-05-02).

NM_007294.4(BRCA1):c.5277+186T>C

Gene: BRCA1 (BRCA1 DNA repair associated; minus strand). Cytogenetic location: 17q21.31.
Variant type: single nucleotide variant.
Coding change: c.5277+186T>C on transcript NM_007294.4 (MANE Select); 186 bases into the intron after coding-DNA position 5277, T replaced by C.
Molecular consequence: intron variant.
Genome position (GRCh38, 1-based): chr17:43,056,866, A>G on the plus strand (T>C on the coding strand, the complement: BRCA1 is on the minus strand). VCF-style: chr17-43056866-A-G. GRCh37 (hg19) VCF-style: chr17-41208883-A-G.
Other names: c.1824+186T>C (NM_001408458.1, NM_001408461.1, NM_001408464.1 and 7 more transcripts); c.4386+186T>C (NM_001407967.1); c.4896+186T>C (NM_001407959.1); c.5010+186T>C (NM_001407931.1, NM_001407932.1, NM_001407928.1 and 4 more transcripts); c.5133+186T>C (NM_001407747.1, NM_001407745.1, NM_001407737.1 and 21 more transcripts); c.4893+186T>C (NM_001407962.1, NM_001407960.1); c.1464+186T>C (NM_001408512.1); c.1587+186T>C (NM_001408510.1); and 72 more.
Identifiers: ClinVar variation 264830 (VCV000264830.2), dbSNP rs8176284, ClinGen allele CA10588193.